The following is an entry in ClinVar:

ClinVar aggregate classification (germline): Conflicting classifications of pathogenicity. Review status: criteria provided, conflicting classifications (1 of 4 stars). 2 submissions from 2 submitters: Uncertain significance (1); Likely benign (1). Last evaluated 2024-12-08.

Conditions:
Inborn genetic diseases. Identifiers: MedGen C0950123, MeSH D030342.

Allele frequency attached by ClinVar (database versions not stated): ExAC 0.00001; gnomAD exomes 0.00001; gnomAD 0.00003; TOPMed 0.00003; ESP Exome Variant Server 0.00008.

Submissions (2):

Ambry Genetics
Classification: Likely benign for Inborn genetic diseases. Last evaluated: 2024-12-08. Review status: criteria provided, single submitter. Criteria: Ambry Variant Classification Scheme 2023. Collection method: clinical testing. Allele origin: germline.

Labcorp Genetics (formerly Invitae), Labcorp
Classification: Uncertain significance. Last evaluated: 2024-12-06. Review status: criteria provided, single submitter. Criteria: Invitae Variant Classification Sherloc (09022015). Collection method: clinical testing. Allele origin: germline.
Comment: This sequence change replaces serine, which is neutral and polar, with leucine, which is neutral and non-polar, at codon 132 of the ASXL1 protein (p.Ser132Leu). This variant is present in population databases (rs370054224, gnomAD 0.005%). This variant has not been reported in the literature in individuals affected with ASXL1-related conditions. ClinVar contains an entry for this variant (Variation ID: 2541078). An algorithm developed to predict the effect of missense changes on protein structure and function (PolyPhen-2) suggests that this variant is likely to be disruptive. In summary, the available evidence is currently insufficient to determine the role of this variant in disease. Therefore, it has been classified as a Variant of Uncertain Significance.

NM_015338.6(ASXL1):c.395C>T (p.Ser132Leu)

Gene: ASXL1 (ASXL transcriptional regulator 1; plus strand). Cytogenetic location: 20q11.21.
Variant type: single nucleotide variant.
Coding change: c.395C>T on transcript NM_015338.6 (MANE Select); coding-DNA position 395, C replaced by T.
Protein change: p.Ser132Leu; replaces serine 132 with leucine.
Molecular consequence: missense variant.
Genome position (GRCh38, 1-based): chr20:32,428,346, C>T. VCF-style: chr20-32428346-C-T. GRCh37 (hg19) VCF-style: chr20-31016149-C-T.
Other names: c.365C>T, p.Ser122Leu (NM_001363734.1); short protein forms S122L, S132L.
Identifiers: ClinVar variation 2541078 (VCV002541078.5), dbSNP rs370054224, ClinGen allele CA9808078.
Genomic context (GRCh38, chr20:32,428,346, plus strand): 5'-CAGGCACTAGGGACTAACCTTTATTTTCCTCTCTTCCAGTATCTCTTGATGAAACATCTT[C>T]GAACGCATCCTGTTCTACAGAATCTCAGAGTCGACCTCTTTCCAATCCCAGGGACAGCTA-3'
Protein context (NP_056153.2, residues 122-142): ENDVSLDETS[Ser132Leu]NASCSTESQS